The following is an entry in ClinVar:

ClinVar aggregate classification (germline): Benign/Likely benign. Review status: criteria provided, multiple submitters, no conflicts (2 of 4 stars). 5 submissions from 4 submitters: Benign (1); Likely benign (3). 1 of the submissions does not count toward it. Last evaluated 2026-01-14.

Conditions:
Amyotrophic lateral sclerosis type 4 (ALS4). Also called: AMYOTROPHIC LATERAL SCLEROSIS 4, JUVENILE; NEURONOPATHY, DISTAL HEREDITARY MOTOR, WITH PYRAMIDAL FEATURES. Identifiers: Orphanet 357043, MedGen C1865409, MONDO:0011223, OMIM 602433.
Spinocerebellar ataxia, autosomal recessive, with axonal neuropathy 2 (SCAN2). Also called: Ataxia-ocular apraxia-2; Ataxia with Oculomotor Apraxia Type 2; ATAXIA-OCULOMOTOR APRAXIA 2; Ataxia with Oculomotor Apraxia. Identifiers: Orphanet 64753, MedGen C1853761, MONDO:0018996, OMIM 606002.
SETX-related disorder. Also called: SETX-related disorders; SETX-related condition. Identifiers: MedGen CN239403.

Allele frequency attached by ClinVar (database versions not stated): gnomAD 0.00003; TOPMed 0.00003; ExAC 0.00007; gnomAD exomes 0.00007 and 0.00010.
gnomAD v4.1: 106 of 1,588,020 alleles (0.0067%); highest among the groups gnomAD compares: Middle Eastern, 0.017%; no homozygotes.

Submissions (5):

Labcorp Genetics (formerly Invitae), Labcorp
Classification: Likely benign for Amyotrophic lateral sclerosis type 4; Spinocerebellar ataxia, autosomal recessive, with axonal neuropathy 2. Last evaluated: 2026-01-14. Review status: criteria provided, single submitter. Criteria: Invitae Variant Classification Sherloc (09022015). Collection method: clinical testing. Allele origin: germline.

Genome-Nilou Lab
Classification: Likely benign for Spinocerebellar ataxia, autosomal recessive, with axonal neuropathy 2. Last evaluated: 2023-02-08. Review status: criteria provided, single submitter. Criteria: ACMG Guidelines, 2015. Collection method: clinical testing. Allele origin: germline.

Genome-Nilou Lab
Classification: Benign for Amyotrophic lateral sclerosis type 4. Last evaluated: 2023-02-08. Review status: criteria provided, single submitter. Criteria: ACMG Guidelines, 2015. Collection method: clinical testing. Allele origin: germline.

Athena Diagnostics
Classification: Likely benign. Last evaluated: 2021-02-25. Review status: criteria provided, single submitter. Criteria: Athena Diagnostics criteria. Collection method: clinical testing. Allele origin: unknown.

PreventionGenetics, part of Exact Sciences
Classification: Likely benign for SETX-related condition. Last evaluated: 2022-10-17. Review status: no assertion criteria provided. Collection method: clinical testing. Allele origin: germline. Not counted in ClinVar's aggregate classification.
Comment: This variant is classified as likely benign based on ACMG/AMP sequence variant interpretation guidelines (Richards et al. 2015 PMID: 25741868, with internal and published modifications).

NM_015046.7(SETX):c.5781+9T>C

Gene: SETX (senataxin; minus strand). Cytogenetic location: 9q34.13.
Variant type: single nucleotide variant.
Coding change: c.5781+9T>C on transcript NM_015046.7 (MANE Select); 9 bases into the intron after coding-DNA position 5781, T replaced by C.
Molecular consequence: intron variant.
Genome position (GRCh38, 1-based): chr9:132,298,071, A>G on the plus strand (T>C on the coding strand, the complement: SETX is on the minus strand). VCF-style: chr9-132298071-A-G. GRCh37 (hg19) VCF-style: chr9-135173458-A-G.
Other names: c.5781+9T>C (NM_001351528.2, NM_001351527.2).
Identifiers: ClinVar variation 1256255 (VCV001256255.11), dbSNP rs772671321, ClinGen allele CA5296904.